The following is an entry in ClinVar:

ClinVar aggregate classification (germline): Uncertain significance. Review status: criteria provided, multiple submitters, no conflicts (2 of 4 stars). 2 submissions from 2 submitters: Uncertain significance (2). Last evaluated 2023-01-01.

Allele frequency attached by ClinVar (database versions not stated): gnomAD exomes below 0.00001.
gnomAD v4.1: 1 of 1,614,118 alleles (0.000062%); highest among the groups gnomAD compares: Non-Finnish European, 0.000085%; no homozygotes.

Submissions (2):

Labcorp Genetics (formerly Invitae), Labcorp
Classification: Uncertain significance. Last evaluated: 2023-01-01. Review status: criteria provided, single submitter. Criteria: Invitae Variant Classification Sherloc (09022015). Collection method: clinical testing. Allele origin: germline.
Comment: In summary, the available evidence is currently insufficient to determine the role of this variant in disease. Therefore, it has been classified as a Variant of Uncertain Significance. Advanced modeling of protein sequence and biophysical properties (such as structural, functional, and spatial information, amino acid conservation, physicochemical variation, residue mobility, and thermodynamic stability) performed at Invitae indicates that this missense variant is not expected to disrupt FLNB protein function. ClinVar contains an entry for this variant (Variation ID: 1224444). This variant has not been reported in the literature in individuals affected with FLNB-related conditions. This variant is not present in population databases (gnomAD no frequency). This sequence change replaces leucine, which is neutral and non-polar, with phenylalanine, which is neutral and non-polar, at codon 1465 of the FLNB protein (p.Leu1465Phe).

Blueprint Genetics
Classification: Uncertain significance. Last evaluated: 2019-10-11. Review status: criteria provided, single submitter. Criteria: ACMG Guidelines, 2015. Collection method: clinical testing. Allele origin: germline.

NM_001457.4(FLNB):c.4395G>C (p.Leu1465Phe)

Gene: FLNB (filamin B; plus strand). Cytogenetic location: 3p14.3.
Variant type: single nucleotide variant.
Coding change: c.4395G>C on transcript NM_001457.4 (MANE Select); coding-DNA position 4395, G replaced by C.
Protein change: p.Leu1465Phe; replaces leucine 1465 with phenylalanine.
Molecular consequence: missense variant.
Genome position (GRCh38, 1-based): chr3:58,132,812, G>C. VCF-style: chr3-58132812-G-C. GRCh37 (hg19) VCF-style: chr3-58118539-G-C.
Other names: c.4488G>C, p.Leu1496Phe (NM_001164317.2); c.4395G>C, p.Leu1465Phe (NM_001164318.2, NM_001164319.2); short protein forms L1465F, L1496F.
Identifiers: ClinVar variation 1224444 (VCV001224444.5), dbSNP rs2097309668, ClinGen allele CA353351174.